The following is an entry in ClinVar:

NM_203447.4(DOCK8):c.4787T>C (p.Val1596Ala)

Gene: DOCK8 (dedicator of cytokinesis 8; plus strand). Cytogenetic location: 9p24.3.
Variant type: single nucleotide variant.
Coding change: c.4787T>C on transcript NM_203447.4 (MANE Select); coding-DNA position 4787, T replaced by C.
Protein change: p.Val1596Ala; replaces valine 1596 with alanine.
Molecular consequence: missense variant.
Genome position (GRCh38, 1-based): chr9:433,876, T>C. VCF-style: chr9-433876-T-C. GRCh37 (hg19) VCF-style: chr9-433876-T-C.
Other names: c.4487T>C, p.Val1496Ala (NM_001190458.2); c.4583T>C, p.Val1528Ala (NM_001193536.2); short protein forms V1496A, V1596A, V1528A.
Identifiers: ClinVar variation 1368446 (VCV001368446.6), dbSNP rs774602558, ClinGen allele CA187806712.

ClinVar aggregate classification (germline): Uncertain significance (1 of 4 stars; one submission).

Conditions:
Hyper-IgE recurrent infection syndrome 3, autosomal recessive. Also called: Autosomal recessive hyper-IgE syndrome due to ZNF341 deficiency; HYPER-IgE SYNDROME 3, AUTOSOMAL RECESSIVE, WITH RECURRENT INFECTIONS. Identifiers: Orphanet 641368, MedGen C4748969, MONDO:0032654, OMIM 618282.

Allele frequency attached by ClinVar (database versions not stated): TOPMed 0.00001.
gnomAD v4.1: 17 of 1,613,192 alleles (0.0011%); highest among the groups gnomAD compares: Non-Finnish European, 0.0014%; no homozygotes.

Submission:

Labcorp Genetics (formerly Invitae), Labcorp
Classification: Uncertain significance for Combined immunodeficiency due to DOCK8 deficiency. Last evaluated: 2021-05-17. Review status: criteria provided, single submitter. Criteria: Invitae Variant Classification Sherloc (09022015). Collection method: clinical testing. Allele origin: germline.
Comment: In summary, the available evidence is currently insufficient to determine the role of this variant in disease. Therefore, it has been classified as a Variant of Uncertain Significance. Algorithms developed to predict the effect of missense changes on protein structure and function are either unavailable or do not agree on the potential impact of this missense change (SIFT: "Deleterious"; PolyPhen-2: "Benign"; Align-GVGD: "Class C0"). This variant has not been reported in the literature in individuals with DOCK8-related conditions. This variant is not present in population databases (ExAC no frequency). This sequence change replaces valine with alanine at codon 1596 of the DOCK8 protein (p.Val1596Ala). The valine residue is highly conserved and there is a small physicochemical difference between valine and alanine.